The following is an entry in ClinVar:

NM_173076.3(ABCA12):c.1765C>A (p.Pro589Thr)

Gene: ABCA12 (ATP binding cassette subfamily A member 12; minus strand). Cytogenetic location: 2q35.
Variant type: single nucleotide variant.
Coding change: c.1765C>A on transcript NM_173076.3 (MANE Select); coding-DNA position 1765, C replaced by A.
Protein change: p.Pro589Thr; replaces proline 589 with threonine.
Molecular consequence: missense variant. On other transcripts: non-coding transcript variant (1).
Genome position (GRCh38, 1-based): chr2:215,018,025, G>T on the plus strand (C>A on the coding strand, the complement: ABCA12 is on the minus strand). VCF-style: chr2-215018025-G-T. GRCh37 (hg19) VCF-style: chr2-215882749-G-T.
Other names: c.811C>A, p.Pro271Thr (NM_015657.4); short protein forms P589T, P271T.
Identifiers: ClinVar variation 262821 (VCV000262821.41), dbSNP rs148979792, ClinGen allele CA2092147.

ClinVar aggregate classification (germline): Benign/Likely benign. Review status: criteria provided, multiple submitters, no conflicts (2 of 4 stars). 6 submissions from 6 submitters: Benign (3); Likely benign (3). Last evaluated 2026-08-01.

Conditions:
Congenital ichthyosis of skin. Identifiers: MedGen C0020758.
Autosomal recessive congenital ichthyosis 4A (LI2). Also called: ICHTHYOSIS CONGENITA IIB. Identifiers: Orphanet 313, MedGen C1832550, MONDO:0011026, OMIM 601277.
Autosomal recessive congenital ichthyosis 4B (ARCI4B). Also called: Ichthyosis, congenital, autosomal recessive 4B (harlequin); Harlequin Fetus; ICHTHYOSIS CONGENITA, HARLEQUIN FETUS TYPE; HARLEQUIN ICHTHYOSIS. Identifiers: Orphanet 457, MedGen C0598226, MONDO:0009443, OMIM 242500.

Allele frequency attached by ClinVar (database versions not stated): 1000 Genomes Project 30x 0.00406; 1000 Genomes Project 0.00419; ExAC 0.00683; gnomAD 0.00688 and 0.00710; gnomAD exomes 0.00705 and 0.00930; ESP Exome Variant Server 0.00746; TOPMed 0.00762.
gnomAD v4.1: 14,601 of 1,614,056 alleles (0.9%); highest among the groups gnomAD compares: Admixed American, 1.2%; 90 homozygotes.

Submissions (6):

CeGaT Center for Human Genetics Tuebingen
Classification: Benign. Last evaluated: 2026-08-01. Review status: criteria provided, single submitter. Criteria: CeGaT Center For Human Genetics Tuebingen Variant Classification Criteria Version 2. Collection method: clinical testing. Allele origin: germline. Affected: yes. Observed: 3 variant alleles.
Comment: ABCA12: BP4, BS1, BS2

Labcorp Genetics (formerly Invitae), Labcorp
Classification: Benign. Last evaluated: 2026-02-04. Review status: criteria provided, single submitter. Criteria: Invitae Variant Classification Sherloc (09022015). Collection method: clinical testing. Allele origin: germline.

Fulgent Genetics
Classification: Likely benign for Autosomal recessive congenital ichthyosis 4B; Autosomal recessive congenital ichthyosis 4A. Last evaluated: 2022-03-23. Review status: criteria provided, single submitter. Criteria: ACMG Guidelines, 2015. Collection method: clinical testing. Allele origin: unknown.

Illumina Laboratory Services, Illumina
Classification: Likely benign for Congenital ichthyosis of skin. Last evaluated: 2018-01-12. Review status: criteria provided, single submitter. Criteria: ICSL Variant Classification Criteria 13 December 2019. Collection method: clinical testing. Allele origin: germline.
Comment: This variant was observed in the ICSL laboratory as part of a predisposition screen in an ostensibly healthy population. It had not been previously curated by ICSL or reported in the Human Gene Mutation Database (HGMD: prior to June 1st, 2018), and was therefore a candidate for classification through an automated scoring system. Utilizing variant allele frequency, disease prevalence and penetrance estimates, and inheritance mode, an automated score was calculated to assess if this variant is too frequent to cause the disease. Based on the score and internal cut-off values, a variant classified as likely benign is not then subjected to further curation. The score for this variant resulted in a classification of likely benign for this disease.

Breakthrough Genomics
Classification: Likely benign. Review status: criteria provided, single submitter. Criteria: ACMG Guidelines, 2015. Collection method: not provided. Allele origin: germline. Inheritance: Autosomal recessive inheritance. Affected: yes.

PreventionGenetics, part of Exact Sciences
Classification: Benign. Review status: criteria provided, single submitter. Criteria: ACMG Guidelines, 2015. Collection method: clinical testing. Allele origin: germline.